The following is an entry in ClinVar:

NM_001039958.2(MESP2):c.496C>T (p.Pro166Ser)

Gene: MESP2 (mesoderm posterior bHLH transcription factor 2; plus strand). Cytogenetic location: 15q26.1.
Variant type: single nucleotide variant.
Coding change: c.496C>T on transcript NM_001039958.2 (MANE Select); coding-DNA position 496, C replaced by T.
Protein change: p.Pro166Ser; replaces proline 166 with serine.
Molecular consequence: missense variant.
Genome position (GRCh38, 1-based): chr15:89,776,853, C>T. VCF-style: chr15-89776853-C-T. GRCh37 (hg19) VCF-style: chr15-90320084-C-T.
Other names: short protein forms P166S.
Identifiers: ClinVar variation 1026721 (VCV001026721.6), dbSNP rs1968372707, ClinGen allele CA393770526.
Genomic context (GRCh38, chr15:89,776,853, plus strand): 5'-CTGCAGTGCCGGCGCAGGCAGCGCGGGGACGCGGGGTCCCCTTGGGGCTGCCCGCTGTGC[C>T]CCGACCGTGGCCCCGCAGAGGCGCAGACGCAGGCGGAGGGGCAGGGGCAAGGGCAGGGGC-3'
Protein context (NP_001035047.1, residues 156-176): AGSPWGCPLC[Pro166Ser]DRGPAEAQTQ

ClinVar aggregate classification (germline): Uncertain significance (1 of 4 stars; one submission).

Submission:

Labcorp Genetics (formerly Invitae), Labcorp
Classification: Uncertain significance. Last evaluated: 2021-09-01. Review status: criteria provided, single submitter. Criteria: Invitae Variant Classification Sherloc (09022015). Collection method: clinical testing. Allele origin: germline.
Comment: This sequence change replaces proline with serine at codon 166 of the MESP2 protein (p.Pro166Ser). The proline residue is highly conserved and there is a moderate physicochemical difference between proline and serine. The frequency data for this variant in the population databases is considered unreliable, as metrics indicate insufficient coverage at this position in the ExAC database. This variant has not been reported in the literature in individuals affected with MESP2-related conditions. Algorithms developed to predict the effect of missense changes on protein structure and function (SIFT, PolyPhen-2, Align-GVGD) all suggest that this variant is likely to be disruptive. In summary, the available evidence is currently insufficient to determine the role of this variant in disease. Therefore, it has been classified as a Variant of Uncertain Significance.